The following is an entry in ClinVar:

ClinVar aggregate classification (germline): Likely pathogenic. Review status: criteria provided, multiple submitters, no conflicts (2 of 4 stars). 3 submissions from 3 submitters: Likely pathogenic (3). Last evaluated 2026-01-26.

Conditions:
Apparent mineralocorticoid excess (AME). Also called: CORTISOL 11-BETA-KETOREDUCTASE DEFICIENCY. Identifiers: Orphanet 320, MedGen C0342488, MONDO:0009025, OMIM 218030.

Allele frequency attached by ClinVar (database versions not stated): gnomAD exomes below 0.00001; TOPMed 0.00001.

Submissions (3):

Dasa
Classification: Likely pathogenic. Last evaluated: 2026-01-26. Review status: criteria provided, single submitter. Criteria: DASA Assertion Criteria. Collection method: clinical testing. Allele origin: germline.
Comment: NM_000196.4(HSD11B2):c.983C>T (p.Ala328Val) is a missense variant that results in the substitution of alanine with valine. Segregation data support an association with disease in the reported family/families (PMID: 17035606; PMID: 10523339; PMID: 9431844). This variant has been recurrently observed in individuals with HSD11B2-related disorders (PMID: 17035606; PMID: 10523339; PMID: 9431844). Functional evidence supports an impact on the gene or gene product (PMID: 17035606; PMID: 10523339; PMID: 9431844). Also, this variant is rare in population databases. Computational evidence supports a deleterious effect. Based on the currently available evidence, this variant is classified as likely pathogenic.

Fulgent Genetics
Classification: Likely pathogenic for Apparent mineralocorticoid excess. Last evaluated: 2024-06-04. Review status: criteria provided, single submitter. Criteria: ACMG Guidelines, 2015. Collection method: clinical testing. Allele origin: germline.

Molecular Biology Laboratory, Fundació Puigvert
Classification: Likely pathogenic for Apparent mineralocorticoid excess. Last evaluated: 2020-02-01. Review status: criteria provided, single submitter. Criteria: ACMG Guidelines, 2015. Collection method: research. Allele origin: germline. Affected: yes. Study: KidneyPanel_2020.

Literature cited by the submitters: PubMed 17035606 (cited by Dasa); PubMed 10523339 (cited by Dasa); PubMed 9431844 (cited by Dasa); PubMed 33532864 (cited by Molecular Biology Laboratory, Fundació Puigvert).

NM_000196.4(HSD11B2):c.983C>T (p.Ala328Val)

Gene: HSD11B2 (hydroxysteroid 11-beta dehydrogenase 2; plus strand). Cytogenetic location: 16q22.1.
Variant type: single nucleotide variant.
Coding change: c.983C>T on transcript NM_000196.4 (MANE Select); coding-DNA position 983, C replaced by T.
Protein change: p.Ala328Val; replaces alanine 328 with valine.
Molecular consequence: missense variant.
Genome position (GRCh38, 1-based): chr16:67,436,768, C>T. VCF-style: chr16-67436768-C-T. GRCh37 (hg19) VCF-style: chr16-67470671-C-T.
Other names: short protein forms A328V.
Identifiers: ClinVar variation 974391 (VCV000974391.4), dbSNP rs1453036708, ClinGen allele CA396282760.
Genomic context (GRCh38, chr16:67,436,768, plus strand): 5'-TGCACTCGCTACGCCTGGCCATGTCCGACCTCACCCCAGTTGTAGATGCCATCACAGATG[C>T]GCTGCTGGCAGCTCGGCCCCGCCGCCGCTATTACCCCGGCCAGGGCCTGGGGCTCATGTA-3'
Protein context (NP_000187.3, residues 318-338): LTPVVDAITD[Ala328Val]LLAARPRRRY